The following is an entry in ClinVar:

NM_025137.4(SPG11):c.6656A>T (p.Asn2219Ile)

Gene: SPG11 (SPG11 vesicle trafficking associated, spatacsin; minus strand). Cytogenetic location: 15q21.1.
Variant type: single nucleotide variant.
Coding change: c.6656A>T on transcript NM_025137.4 (MANE Select); coding-DNA position 6656, A replaced by T.
Protein change: p.Asn2219Ile; replaces asparagine 2219 with isoleucine.
Molecular consequence: missense variant.
Genome position (GRCh38, 1-based): chr15:44,567,522, T>A on the plus strand (A>T on the coding strand, the complement: SPG11 is on the minus strand). VCF-style: chr15-44567522-T-A. GRCh37 (hg19) VCF-style: chr15-44859720-T-A.
Other names: c.6317A>T, p.Asn2106Ile (NM_001160227.2); c.6512A>T, p.Asn2171Ile (NM_001411132.1); short protein forms N2106I, N2171I, N2219I.
Identifiers: ClinVar variation 1982884 (VCV001982884.1), dbSNP rs771149453, ClinGen allele CA7534053.

ClinVar aggregate classification (germline): Uncertain significance (1 of 4 stars; one submission).

Conditions:
Hereditary spastic paraplegia 11. Also called: SPASTIC PARAPLEGIA, AUTOSOMAL RECESSIVE, COMPLICATED, WITH THIN CORPUS CALLOSUM; SPASTIC PARAPLEGIA, AUTOSOMAL RECESSIVE, WITH MENTAL IMPAIRMENT AND THIN CORPUS CALLOSUM; Spastic Paraplegia 11; Spastic paraplegia, mental retardation and thin corpus callosum; Nakamura Osame syndrome; Autosomal recessive hereditary spastic paraplegia, mental impairment, and thin corpus callosum. Identifiers: Orphanet 2822, MedGen C1858479, MONDO:0011445, OMIM 604360.

Allele frequency attached by ClinVar (database versions not stated): ExAC 0.00001.
gnomAD v4.1: 10 of 1,614,026 alleles (0.00062%); highest among the groups gnomAD compares: Non-Finnish European, 0.00076%; no homozygotes.

Submission:

Labcorp Genetics (formerly Invitae), Labcorp
Classification: Uncertain significance for Hereditary spastic paraplegia 11. Last evaluated: 2021-11-14. Review status: criteria provided, single submitter. Criteria: Invitae Variant Classification Sherloc (09022015). Collection method: clinical testing. Allele origin: germline.
Comment: This sequence change replaces asparagine, which is neutral and polar, with isoleucine, which is neutral and non-polar, at codon 2219 of the SPG11 protein (p.Asn2219Ile). This variant is present in population databases (rs771149453, gnomAD 0.0009%). This variant has not been reported in the literature in individuals affected with SPG11-related conditions. Algorithms developed to predict the effect of missense changes on protein structure and function are either unavailable or do not agree on the potential impact of this missense change (SIFT: "Deleterious"; PolyPhen-2: "Probably Damaging"; Align-GVGD: "Class C0"). In summary, the available evidence is currently insufficient to determine the role of this variant in disease. Therefore, it has been classified as a Variant of Uncertain Significance.